The following continues an entry in ClinVar:

NM_003000.3(SDHB):c.287-1G>C

Gene: SDHB. ClinVar aggregate classification (germline): Pathogenic/Likely pathogenic. Pathogenic (10); Likely pathogenic (1).

Submissions 9 to 13 of 13:

Women's Health and Genetics/Laboratory Corporation of America, LabCorp
Classification: Pathogenic for Hereditary pheochromocytoma and paraganglioma. Last evaluated: 2021-08-08. Review status: criteria provided, single submitter. Criteria: LabCorp Variant Classification Summary - May 2015. Collection method: clinical testing. Allele origin: germline.
Comment: Variant summary: SDHB c.287-1G>C is located in a canonical splice-site and is predicted to affect mRNA splicing resulting in a significantly altered protein due to either exon skipping, shortening, or inclusion of intronic material. Several computational tools predict a significant impact on normal splicing: Four predict the variant abolishes the canonical 3' splice acceptor site. However, these predictions have yet to be confirmed by functional studies. The variant was absent in 251204 control chromosomes. c.287-1G>C has been reported in the literature in multiple individuals affected with Hereditary Paraganglioma-Pheochromocytoma Syndrome (example, Timmers_2007, Jafri_2013, Fishbein_2013, Del Forno_2016, LaDuca_2017, Rinelli_2020). These data indicate that the variant is very likely to be associated with disease. To our knowledge, no experimental evidence demonstrating an impact on protein function has been reported. Five clinical diagnostic laboratories have submitted clinical-significance assessments for this variant to ClinVar after 2014 without evidence for independent evaluation. All laboratories classified the variant as pathogenic. Based on the evidence outlined above, the variant was classified as pathogenic.

Eurofins Ntd Llc (ga)
Classification: Pathogenic. Last evaluated: 2016-06-21. Review status: criteria provided, single submitter. Criteria: EGL Classification Definitions 2015. Collection method: clinical testing. Allele origin: germline. Observed: 1 variant allele, 1 heterozygote.

Laboratory for Molecular Medicine, Mass General Brigham Personalized Medicine
Classification: Likely pathogenic for Hereditary pheochromocytoma and paraganglioma. Last evaluated: 2012-12-06. Review status: criteria provided, single submitter. Criteria: LMM Criteria. Collection method: clinical testing. Allele origin: germline. Observed: 1 variant allele.
Comment: The 287-1G>C variant in SDHB has been reported in one individual with paragangli oma and segregated with disease in one affected relative in that family (Timmers 2007). This variant has also been identified in a benign paraganglioma sample ( Klein 2008). This variant occurs in the invariant region (+/- 1,2) of the splic e consensus sequence and is predicted to cause altered splicing leading to an ab normal or absent protein. In summary, the 287-1G>C variant is likely pathogenic, though additional studies are required to fully establish its clinical signific ance.

Counsyl
Classification: Pathogenic for Pheochromocytoma/paraganglioma syndrome 4. Last evaluated: 2017-05-02. Review status: no assertion criteria provided. Collection method: clinical testing. Allele origin: unknown. Not counted in ClinVar's aggregate classification.

Section on Medical Neuroendocrinolgy, National Institutes of Health
Classification: Pathogenic for Hereditary pheochromocytoma and paraganglioma. Review status: no assertion criteria provided. Collection method: research. Allele origin: germline. Affected: yes. Not counted in ClinVar's aggregate classification.

Literature cited by the submitters: PubMed 15328326 (cited by Ambry Genetics); PubMed 17200167 (cited by 8 submitters); PubMed 18382370 (cited by 5 submitters); PubMed 23072324 (cited by 5 submitters); PubMed 23434467 (cited by Ambry Genetics); PubMed 23512077 (cited by 4 submitters); PubMed 25371406 (cited by 3 submitters); PubMed 26302408 (cited by Ambry Genetics); PubMed 27549546 (cited by 6 submitters); PubMed 28374168 (cited by 3 submitters); PubMed 30050099 (cited by 5 submitters); PubMed 32035780 (cited by 3 submitters); PubMed 34750850 (cited by Ambry Genetics and Labcorp Genetics (formerly Invitae), Labcorp); PubMed 36593350 (cited by Ambry Genetics and Color Diagnostics, LLC DBA Color Health); PubMed 16199547 (cited by Labcorp Genetics (formerly Invitae), Labcorp); PubMed 19454582 (cited by Labcorp Genetics (formerly Invitae), Labcorp); PubMed 19802898 (cited by Labcorp Genetics (formerly Invitae), Labcorp); PubMed 31883676 (cited by 3 submitters); PubMed 31492822 (cited by Myriad Genetics, Inc.); PubMed 35460558 (cited by Myriad Genetics, Inc.); PubMed 19618298 (cited by Color Diagnostics, LLC DBA Color Health); PubMed 27262318 (cited by Color Diagnostics, LLC DBA Color Health); PubMed 28179334 (cited by Color Diagnostics, LLC DBA Color Health and All of Us Research Program, National Institutes of Health); PubMed 29386252 (cited by Color Diagnostics, LLC DBA Color Health); PubMed 29623478 (cited by Color Diagnostics, LLC DBA Color Health); PubMed 30201732 (cited by Color Diagnostics, LLC DBA Color Health); PubMed 36786389 (cited by Color Diagnostics, LLC DBA Color Health and All of Us Research Program, National Institutes of Health); PubMed 36387130 (cited by All of Us Research Program, National Institutes of Health); PubMed 28152038 (cited by Women's Health and Genetics/Laboratory Corporation of America, LabCorp).